The following is an entry in ClinVar:

ClinVar aggregate classification (germline): Likely benign. Review status: criteria provided, single submitter (1 of 4 stars). 2 submissions from 2 submitters: Likely benign (1). 1 of the submissions does not count toward it. Last evaluated 2025-06-22.

Conditions:
PCNT-related disorder. Also called: PCNT-related condition.

Allele frequency attached by ClinVar (database versions not stated): gnomAD exomes below 0.00001 and 0.00002; gnomAD 0.00001; TOPMed 0.00002; ExAC 0.00003.
gnomAD v4.1: 14 of 1,603,870 alleles (0.00087%); highest among the groups gnomAD compares: East Asian, 0.011%; no homozygotes.

Submissions (2):

Labcorp Genetics (formerly Invitae), Labcorp
Classification: Likely benign. Last evaluated: 2025-06-22. Review status: criteria provided, single submitter. Criteria: Invitae Variant Classification Sherloc (09022015). Collection method: clinical testing. Allele origin: germline.

PreventionGenetics, part of Exact Sciences
Classification: Likely benign for PCNT-related condition. Last evaluated: 2024-05-29. Review status: no assertion criteria provided. Collection method: clinical testing. Allele origin: germline. Not counted in ClinVar's aggregate classification.
Comment: This variant is classified as likely benign based on ACMG/AMP sequence variant interpretation guidelines (Richards et al. 2015 PMID: 25741868, with internal and published modifications).

NM_006031.6(PCNT):c.885A>G (p.Leu295=)

Gene: PCNT (pericentrin; plus strand). Cytogenetic location: 21q22.3.
Variant type: single nucleotide variant.
Coding change: c.885A>G on transcript NM_006031.6 (MANE Select); coding-DNA position 885, A replaced by G.
Protein change: p.Leu295=; no amino-acid change (leucine 295 retained).
Molecular consequence: synonymous variant.
Genome position (GRCh38, 1-based): chr21:46,346,907, A>G. VCF-style: chr21-46346907-A-G. GRCh37 (hg19) VCF-style: chr21-47766821-A-G.
Other names: c.885A>G (NM_006031.5); c.531A>G, p.Leu177= (NM_001315529.2).
Identifiers: ClinVar variation 1667687 (VCV001667687.9), dbSNP rs769171675, ClinGen allele CA10078436.